The following is an entry in ClinVar:

NM_000407.5(GP1BB):c.238G>C (p.Ala80Pro)

Genes: GP1BB (glycoprotein Ib platelet subunit beta; plus strand), SEPT5-GP1BB (SEPT5-GP1BB readthrough; plus strand). Cytogenetic location: 22q11.21.
Variant type: single nucleotide variant.
Coding change: c.238G>C on transcript NM_000407.5 (MANE Select); coding-DNA position 238, G replaced by C.
Protein change: p.Ala80Pro; replaces alanine 80 with proline.
Molecular consequence: missense variant. On other transcripts: non-coding transcript variant (2).
Genome position (GRCh38, 1-based): chr22:19,724,081, G>C. VCF-style: chr22-19724081-G-C. GRCh37 (hg19) VCF-style: chr22-19711604-G-C.
Other names: NM_000407.5:c.238G>C; short protein forms A80P.
Identifiers: ClinVar variation 4857357 (VCV004857357.1).

ClinVar aggregate classification (germline): Uncertain significance (3 of 4 stars; one submission).

Conditions:
Bernard Soulier syndrome (BSS). Also called: GLYCOPROTEIN Ib, PLATELET, DEFICIENCY OF; Giant platelet syndrome; Hemorrhagiparous thrombocytic dystrophy; Giant platelet disease; BLEEDING DISORDER, PLATELET-TYPE, 1; Platelet Glycoprotein 1b, Deficiency of. Identifiers: Orphanet 274, MedGen C0005129, MeSH D001606, MONDO:0009276, OMIM 231200.

Submission:

ClinGen Platelet Disorders Variant Curation Expert Panel, ClinGen
Classification: Uncertain significance for Bernard Soulier syndrome. Last evaluated: 2026-06-04. Review status: reviewed by expert panel. Criteria: ClinGen Platelet ACMG Specifications GP1BB V1.0.0. Collection method: curation. Allele origin: germline. Inheritance: Autosomal recessive inheritance.
Comment: The c.238G>C variant in GP1BB is a missense variant predicted to cause substitution of Alanine by Proline at amino acid 80 (p.Ala80Pro). The computational predictor REVEL gives a score of 0.69, which is above the ClinGen PD VCEP threshold of >0.644 and predicts a damaging effect on GP1BB function (PP3). This variant is absent from gnomAD v4.1.0 (PM2_Supporting). In summary, this variant meets the criteria to be classified as uncertain significance for autosomal recessive Bernard-Soulier syndrome based on the ACMG/AMP criteria applied, as specified by the ClinGen PD VCEP: PP3 and PM2_Supporting (VCEP specifications version 1).